The following is an entry in ClinVar:

ClinVar aggregate classification (germline): Conflicting classifications of pathogenicity. Review status: criteria provided, conflicting classifications (1 of 4 stars). 4 submissions from 3 submitters: Uncertain significance (1); Likely benign (3). Last evaluated 2024-11-14.

Conditions:
Glucocorticoid-remediable aldosteronism. Also called: Hyperaldosteronism, familial, type I; FH I; GLUCOCORTICOID-SUPPRESSIBLE HYPERALDOSTERONISM; ACTH-DEPENDENT HYPERALDOSTERONISM SYNDROME; ALDOSTERONISM, SENSITIVE TO DEXAMETHASONE. Identifiers: Orphanet 403, MedGen C3838731, MONDO:0007080, OMIM 103900.
Deficiency of steroid 11-beta-monooxygenase (CYP11B1). Also called: Congenital adrenal hyperplasia due to 11-beta-hydroxylase deficiency; ADRENAL HYPERPLASIA, CONGENITAL, DUE TO STEROID 11-BETA-HYDROXYLASE DEFICIENCY; 11-BETA-HYDROXYLASE DEFICIENCY; P450C11B1 DEFICIENCY; STEROID 11-BETA-HYDROXYLASE DEFICIENCY; ADRENAL HYPERPLASIA IV. Identifiers: Orphanet 90795, MedGen C0268292, MONDO:0008729, OMIM 202010. Disease mechanism: loss of function.

Allele frequency attached by ClinVar (database versions not stated): TOPMed 0.00001.
gnomAD v4.1: 53 of 1,613,814 alleles (0.0033%); highest among the groups gnomAD compares: Non-Finnish European, 0.0043%; no homozygotes.

Submissions (4):

Blueprint Genetics
Classification: Likely benign. Last evaluated: 2024-11-14. Review status: criteria provided, single submitter. Criteria: ACMG Guidelines, 2015. Collection method: clinical testing. Allele origin: germline.

Labcorp Genetics (formerly Invitae), Labcorp
Classification: Likely benign. Last evaluated: 2024-01-29. Review status: criteria provided, single submitter. Criteria: Invitae Variant Classification Sherloc (09022015). Collection method: clinical testing. Allele origin: germline.

Illumina Laboratory Services, Illumina
Classification: Likely benign for Glucocorticoid-remediable aldosteronism. Last evaluated: 2018-01-13. Review status: criteria provided, single submitter. Criteria: ICSL Variant Classification Criteria 13 December 2019. Collection method: clinical testing. Allele origin: germline.
Comment: This variant was observed in the ICSL laboratory as part of a predisposition screen in an ostensibly healthy population. It had not been previously curated by ICSL or reported in the Human Gene Mutation Database (HGMD: prior to June 1st, 2018), and was therefore a candidate for classification through an automated scoring system. Utilizing variant allele frequency, disease prevalence and penetrance estimates, and inheritance mode, an automated score was calculated to assess if this variant is too frequent to cause the disease. Based on the score and internal cut-off values, a variant classified as likely benign is not then subjected to further curation. The score for this variant resulted in a classification of likely benign for this disease.

Illumina Laboratory Services, Illumina
Classification: Uncertain significance for Deficiency of steroid 11-beta-monooxygenase. Last evaluated: 2018-01-13. Review status: criteria provided, single submitter. Criteria: ICSL Variant Classification Criteria 13 December 2019. Collection method: clinical testing. Allele origin: germline.

NM_000497.4(CYP11B1):c.954+9G>C

Genes: CYP11B1 (cytochrome P450 family 11 subfamily B member 1; minus strand), LOC106799833 (CYP11B1 recombination region; plus strand). Cytogenetic location: 8q24.3.
Variant type: single nucleotide variant.
Coding change: c.954+9G>C on transcript NM_000497.4 (MANE Select); 9 bases into the intron after coding-DNA position 954, G replaced by C.
Molecular consequence: intron variant.
Genome position (GRCh38, 1-based): chr8:142,876,232, C>G on the plus strand (G>C on the coding strand, the complement: CYP11B1 is on the minus strand). VCF-style: chr8-142876232-C-G. GRCh37 (hg19) VCF-style: chr8-143957648-C-G.
Other names: c.954+9G>C (NM_001026213.1).
Identifiers: ClinVar variation 362155 (VCV000362155.14), dbSNP rs6411, ClinGen allele CA4905241.
Genomic context (GRCh38, chr8:142,876,232, plus strand): 5'-TTGGCAGGCAGTGCCTGGGAGGCAGGCTTGGCATCACCCTCTCTGGGTGGGGCTGGTTGC[C>G]GGCCTGACCGTGTCCACGCTCCCTGCAGTGAGTTCCATAGAGTTGGCCTTGATGGCATCT-3'